The following is an entry in ClinVar:

ClinVar aggregate classification (germline): Uncertain significance (1 of 4 stars; one submission).

Conditions:
Hereditary cancer-predisposing syndrome. Also called: Tumor predisposition; Neoplastic Syndromes, Hereditary; Hereditary neoplastic syndrome; Hereditary Cancer Syndrome. Identifiers: Orphanet 140162, MedGen C0027672, MeSH D009386, MONDO:0015356.

Submission:

Ambry Genetics
Classification: Uncertain significance for Hereditary cancer-predisposing syndrome. Last evaluated: 2024-09-09. Review status: criteria provided, single submitter. Criteria: Ambry Variant Classification Scheme 2023. Collection method: clinical testing. Allele origin: germline.
Comment: The p.G1408C variant (also known as c.4222G>T), located in coding exon 33 of the TSC2 gene, results from a G to T substitution at nucleotide position 4222. The glycine at codon 1408 is replaced by cysteine, an amino acid with highly dissimilar properties. This amino acid position is conserved. In addition, the in silico prediction for this alteration is inconclusive. Based on the available evidence, the clinical significance of this variant remains unclear.

NM_000548.5(TSC2):c.4222G>T (p.Gly1408Cys)

Gene: TSC2 (TSC complex subunit 2; plus strand). Cytogenetic location: 16p13.3.
Variant type: single nucleotide variant.
Coding change: c.4222G>T on transcript NM_000548.5 (MANE Select); coding-DNA position 4222, G replaced by T.
Protein change: p.Gly1408Cys; replaces glycine 1408 with cysteine.
Molecular consequence: missense variant. On other transcripts: non-coding transcript variant (5).
Genome position (GRCh38, 1-based): chr16:2,084,444, G>T. VCF-style: chr16-2084444-G-T. GRCh37 (hg19) VCF-style: chr16-2134445-G-T.
Other names: c.4021G>T, p.Gly1341Cys (NM_001077183.3); c.4153G>T, p.Gly1385Cys (NM_001114382.3); c.3913G>T, p.Gly1305Cys (NM_001318827.2); c.3877G>T, p.Gly1293Cys (NM_001318829.2); c.3490G>T, p.Gly1164Cys (NM_001318831.2); c.4054G>T, p.Gly1352Cys (NM_001318832.2); c.4024G>T, p.Gly1342Cys (NM_001363528.2); c.4090G>T, p.Gly1364Cys (NM_001370404.1); and 26 more; short protein forms G1185C, G1322C, G1341C, G1382C, G1384C, G893C, G1141C, G1293C.
Identifiers: ClinVar variation 3462537 (VCV003462537.1).